The following is an entry in ClinVar:

ClinVar aggregate classification (germline): Uncertain significance. Review status: criteria provided, multiple submitters, no conflicts (2 of 4 stars). 3 submissions from 3 submitters: Uncertain significance (3). Last evaluated 2022-07-18.

Conditions:
LEOPARD syndrome 1 (LPRD1). Also called: LENTIGINOSIS, CARDIOMYOPATHIC; MULTIPLE LENTIGINES SYNDROME; PTPN11-Related LEOPARD Syndrome. Identifiers: Orphanet 500, MedGen C4551484, MONDO:0100082, OMIM 151100.
RASopathy. Also called: Noonan spectrum disorder; rasopathies. Identifiers: Orphanet 536391, MedGen C5555857, MONDO:0021060.

Submissions (3):

GeneDx
Classification: Uncertain significance. Last evaluated: 2022-07-18. Review status: criteria provided, single submitter. Criteria: GeneDx Variant Classification Process June 2021. Collection method: clinical testing. Allele origin: germline. Affected: yes.
Comment: Not observed at significant frequency in large population cohorts (gnomAD); In silico analysis supports that this missense variant has a deleterious effect on protein structure/function; Missense variants in this gene are often considered pathogenic (HGMD); Has not been previously published as pathogenic or benign to our knowledge; This variant is associated with the following publications: (PMID: 29493581)

Labcorp Genetics (formerly Invitae), Labcorp
Classification: Uncertain significance for RASopathy. Last evaluated: 2022-05-08. Review status: criteria provided, single submitter. Criteria: Invitae Variant Classification Sherloc (09022015). Collection method: clinical testing. Allele origin: germline.
Comment: Advanced modeling of protein sequence and biophysical properties (such as structural, functional, and spatial information, amino acid conservation, physicochemical variation, residue mobility, and thermodynamic stability) performed at Invitae indicates that this missense variant is expected to disrupt PTPN11 protein function. This variant has not been reported in the literature in individuals affected with PTPN11-related conditions. In summary, the available evidence is currently insufficient to determine the role of this variant in disease. Therefore, it has been classified as a Variant of Uncertain Significance. This sequence change replaces glutamic acid, which is acidic and polar, with aspartic acid, which is acidic and polar, at codon 204 of the PTPN11 protein (p.Glu204Asp). This variant is not present in population databases (gnomAD no frequency).

Laboratory of Medical Genetics, National & Kapodistrian University of Athens
Classification: Uncertain significance for LEOPARD syndrome 1. Last evaluated: 2022-01-27. Review status: criteria provided, single submitter. Criteria: ACMG Guidelines, 2015. Collection method: clinical testing. Allele origin: maternal. Affected: yes.
Comment: PM2, PP2, PP3

NM_002834.5(PTPN11):c.612A>T (p.Glu204Asp)

Gene: PTPN11 (protein tyrosine phosphatase non-receptor type 11; plus strand). Cytogenetic location: 12q24.13.
Variant type: single nucleotide variant.
Coding change: c.612A>T on transcript NM_002834.5 (MANE Select); coding-DNA position 612, A replaced by T.
Protein change: p.Glu204Asp; replaces glutamic acid 204 with aspartic acid.
Molecular consequence: missense variant.
Genome position (GRCh38, 1-based): chr12:112,454,650, A>T. VCF-style: chr12-112454650-A-T. GRCh37 (hg19) VCF-style: chr12-112892454-A-T.
Other names: c.612A>T, p.Glu204Asp (NM_001330437.2, NM_080601.3); c.609A>T, p.Glu203Asp (NM_001374625.1); short protein forms E203D, E204D.
Identifiers: ClinVar variation 1708085 (VCV001708085.7), dbSNP rs2038126760, ClinGen allele CA386782481.